The following is an entry in ClinVar:

NM_001130438.3(SPTAN1):c.6917GCATGC[3] (p.Arg2308_Met2309dup)

Gene: SPTAN1 (spectrin alpha, non-erythrocytic 1; plus strand). Cytogenetic location: 9q34.11.
Variant type: Microsatellite.
Coding change: c.6917GCATGC[3] on transcript NM_001130438.3 (MANE Select); three copies in a row of the 6-base unit GCATGC starting at c.6917; the reference has two copies in a row; one copy, 6 bases duplicated; also written c.6923_6928dup.
Protein change: p.Arg2308_Met2309dup.
Molecular consequence: inframe insertion.
Genome position (GRCh38, 1-based): chr9:128,632,287-128,632,292, GCATGC duplicated; duplicating any 6 consecutive bases within chr9:128,632,281-128,632,292 gives the same sequence; the position shown is the placement nearest the transcript's 3' end. VCF-style (leftmost placement, unchanged base first): chr9-128632280-G-GGCATGC. GRCh37 (hg19) VCF-style: chr9-131394559-G-GGCATGC.
Other names: c.6842GCATGC[3], p.Arg2283_Met2284dup (NM_001195532.2); c.6980GCATGC[3], p.Arg2329_Met2330dup (NM_001363759.2); c.6857GCATGC[3], p.Arg2288_Met2289dup (NM_001363765.2, NM_001375314.2); c.7004GCATGC[3], p.Arg2337_Met2338dup (NM_001375310.1); c.6917GCATGC[3], p.Arg2308_Met2309dup (NM_001375311.2); c.6953GCATGC[3], p.Arg2320_Met2321dup (NM_001375312.2); c.6899GCATGC[3], p.Arg2302_Met2303dup (NM_001375313.1); c.7016GCATGC[3], p.Arg2341_Met2342dup (NM_001375318.1); and 2 more.
Identifiers: ClinVar variation 207370 (VCV000207370.37), dbSNP rs796053335, ClinGen allele CA318769.
Genomic context (GRCh38, chr9:128,632,280, plus strand): 5'-AAGTACACGGAGCACAGCACCGTGGGCCTCGCCCAGCAGTGGGACCAGCTGGACCAGCTG[G>GGCATGC]GCATGCGCATGCAGCACAACCTGGAGCAGCAGATCCAGGCCAGGTACCCGGGAGGGCTGT-3'

ClinVar aggregate classification (germline): Pathogenic/Likely pathogenic. Review status: criteria provided, multiple submitters, no conflicts (2 of 4 stars). 6 submissions from 6 submitters: Pathogenic (3); Likely pathogenic (2). 1 of the submissions does not count toward it. Last evaluated 2022-12-01.

Conditions:
Epileptic encephalopathy. Identifiers: MedGen C0543888, HP:0200134.
Developmental and epileptic encephalopathy, 5 (DEE5). Identifiers: Orphanet 3451, MedGen C3150731, MONDO:0013277, OMIM 613477.

Submissions (6):

CeGaT Center for Human Genetics Tuebingen
Classification: Pathogenic. Last evaluated: 2022-12-01. Review status: criteria provided, single submitter. Criteria: CeGaT Center For Human Genetics Tuebingen Variant Classification Criteria Version 2. Collection method: clinical testing. Allele origin: germline. Affected: yes. Observed: 1 variant allele.
Comment: SPTAN1: PS2, PM2, PM4, PS4:Moderate, PP4

Institute of Human Genetics, University of Leipzig Medical Center
Classification: Likely pathogenic for Developmental and epileptic encephalopathy, 5. Last evaluated: 2017-09-01. Review status: criteria provided, single submitter. Criteria: ACMG Guidelines, 2015. Collection method: research. Allele origin: de novo.

Neurogenetics Laboratory - MEYER, AOU Meyer
Classification: Pathogenic for Epileptic encephalopathy. Last evaluated: 2016-11-16. Review status: criteria provided, single submitter. Criteria: ACMG Guidelines, 2015. Collection method: clinical testing. Allele origin: de novo. Affected: yes. Observed: 1 heterozygote.

Centre for Mendelian Genomics, University Medical Centre Ljubljana
Classification: Likely pathogenic for Developmental and epileptic encephalopathy, 5. Last evaluated: 2016-01-01. Review status: criteria provided, single submitter. Criteria: ACMG Guidelines, 2015. Collection method: clinical testing. Allele origin: unknown. Affected: yes.
Comment: This variant was classified as: Likely pathogenic. The following ACMG criteria were applied in classifying this variant: PS1,PM2,PP4.

GeneDx
Classification: Pathogenic. Last evaluated: 2013-08-27. Review status: criteria provided, single submitter. Criteria: GeneDx Variant Classification (06012015). Collection method: clinical testing. Allele origin: germline. Affected: yes.
Comment: c.6923_6928dupGCATGC: p.Arg2308_Met2309dup (R2308_M2309dup) in exon 53 of the SPTAN1 gene (NM_001130438.1). The normal sequence with the bases that are duplicated in braces is: CATG{CGCATG}. The c.6923_6928dupGCATGC mutation in the SPTAN1 gene has been previously reported as a de novo mutation in an individual with early-onset West syndrome and cerebellar hypomyelination (Saitsu et al., 2010). It results in an in-frame duplication of two highly conserved amino acids in the last spectrin repeat of the protein, and functional studies indicate the c.6923_6928dupGCATGC mutation leads to the aggregation of alpha/beta spectrin heterodimers (Saitsu et al., 2010). Therefore, c.6923_6928dupGCATGC is interpreted as pathogenic. The variant is found in INFANT-EPI panel(s).

OMIM
Classification: Pathogenic for DEVELOPMENTAL AND EPILEPTIC ENCEPHALOPATHY 5. Last evaluated: 2010-06-11. Review status: no assertion criteria provided. Collection method: literature only. Allele origin: germline. Not counted in ClinVar's aggregate classification.

Literature cited by the submitters: PubMed 29050398 (cited by Institute of Human Genetics, University of Leipzig Medical Center); PubMed 20493457 (cited by OMIM).